The following is an entry in ClinVar:

NM_000903.3(NQO1):c.800A>T (p.Asp267Val)

Gene: NQO1 (NAD(P)H quinone dehydrogenase 1; minus strand). Cytogenetic location: 16q22.1.
Variant type: single nucleotide variant.
Coding change: c.800A>T on transcript NM_000903.3 (MANE Select); coding-DNA position 800, A replaced by T.
Protein change: p.Asp267Val; replaces aspartic acid 267 with valine.
Molecular consequence: missense variant.
Genome position (GRCh38, 1-based): chr16:69,711,001, T>A on the plus strand (A>T on the coding strand, the complement: NQO1 is on the minus strand). VCF-style: chr16-69711001-T-A. GRCh37 (hg19) VCF-style: chr16-69744904-T-A.
Other names: c.698A>T, p.Asp233Val (NM_001025433.2); c.686A>T, p.Asp229Val (NM_001025434.2); c.584A>T, p.Asp195Val (NM_001286137.2); short protein forms D195V, D233V, D229V, D267V.
Identifiers: ClinVar variation 1761629 (VCV001761629.2), dbSNP rs2544317709, ClinGen allele CA396487300.

ClinVar aggregate classification (germline): Uncertain significance (1 of 4 stars; one submission).

Submission:

Ambry Genetics
Classification: Uncertain significance. Last evaluated: 2022-03-30. Review status: criteria provided, single submitter. Criteria: Ambry Variant Classification Scheme 2023. Collection method: clinical testing. Allele origin: germline.
Comment: The p.D267V variant (also known as c.800A>T), located in coding exon 6 of the NQO1 gene, results from an A to T substitution at nucleotide position 800. The aspartic acid at codon 267 is replaced by valine, an amino acid with highly dissimilar properties. This amino acid position is conserved. In addition, this alteration is predicted to be tolerated by in silico analysis. Since supporting evidence is limited at this time, the clinical significance of this alteration remains unclear.